The following is an entry in ClinVar:

ClinVar aggregate classification (germline): Uncertain significance. Review status: criteria provided, multiple submitters, no conflicts (2 of 4 stars). 3 submissions from 3 submitters: Uncertain significance (3). Last evaluated 2026-01-05.

Conditions:
Inborn genetic diseases. Identifiers: MedGen C0950123, MeSH D030342.
Charcot-Marie-Tooth disease type 4. Also called: Charcot-Marie-Tooth, Type 4; Charcot-Marie-Tooth disease, type IV. Identifiers: Orphanet 64749, MedGen C4082197, MONDO:0018995.

Allele frequency attached by ClinVar (database versions not stated): gnomAD 0.00005 and 0.00006; TOPMed 0.00006; ExAC 0.00007; gnomAD exomes 0.00007.
gnomAD v4.1: 36 of 1,614,016 alleles (0.0022%); highest among the groups gnomAD compares: Admixed American, 0.025%; no homozygotes.

Submissions (3):

Labcorp Genetics (formerly Invitae), Labcorp
Classification: Uncertain significance for Charcot-Marie-Tooth disease type 4. Last evaluated: 2026-01-05. Review status: criteria provided, single submitter. Criteria: Invitae Variant Classification Sherloc (09022015). Collection method: clinical testing. Allele origin: germline.
Comment: This sequence change replaces valine, which is neutral and non-polar, with methionine, which is neutral and non-polar, at codon 766 of the PRX protein (p.Val766Met). This variant is present in population databases (rs763619423, gnomAD 0.03%). This variant has not been reported in the literature in individuals affected with PRX-related conditions. ClinVar contains an entry for this variant (Variation ID: 448136). An algorithm developed to predict the effect of missense changes on protein structure and function outputs the following: PolyPhen-2: "Possibly Damaging". The methionine amino acid residue is found in multiple mammalian species, which suggests that this missense change does not adversely affect protein function. In summary, the available evidence is currently insufficient to determine the role of this variant in disease. Therefore, it has been classified as a Variant of Uncertain Significance.

Ambry Genetics
Classification: Uncertain significance for Inborn genetic diseases. Last evaluated: 2022-08-08. Review status: criteria provided, single submitter. Criteria: Ambry Variant Classification Scheme 2023. Collection method: clinical testing. Allele origin: germline.
Comment: The p.V766M variant (also known as c.2296G>A), located in coding exon 4 of the PRX gene, results from a G to A substitution at nucleotide position 2296. The valine at codon 766 is replaced by methionine, an amino acid with highly similar properties. This amino acid position is conserved. In addition, this alteration is predicted to be tolerated by in silico analysis. Since supporting evidence is limited at this time, the clinical significance of this alteration remains unclear.

Athena Diagnostics
Classification: Uncertain significance. Last evaluated: 2017-03-21. Review status: criteria provided, single submitter. Criteria: Athena Diagnostics Criteria. Collection method: clinical testing. Allele origin: germline.

NM_181882.3(PRX):c.2296G>A (p.Val766Met)

Gene: PRX (periaxin; minus strand). Cytogenetic location: 19q13.2.
Variant type: single nucleotide variant.
Coding change: c.2296G>A on transcript NM_181882.3 (MANE Select); coding-DNA position 2296, G replaced by A.
Protein change: p.Val766Met; replaces valine 766 with methionine.
Molecular consequence: missense variant. On other transcripts: 3 prime UTR variant (1).
Genome position (GRCh38, 1-based): chr19:40,396,056, C>T on the plus strand (G>A on the coding strand, the complement: PRX is on the minus strand). VCF-style: chr19-40396056-C-T. GRCh37 (hg19) VCF-style: chr19-40901963-C-T.
Other names: c.*2501G>A (NM_020956.2); short protein forms V766M.
Identifiers: ClinVar variation 448136 (VCV000448136.9), dbSNP rs763619423, ClinGen allele CA9444079.